The following is an entry in ClinVar:

ClinVar aggregate classification (germline): Likely benign. Review status: criteria provided, single submitter (1 of 4 stars). 2 submissions from 2 submitters: Likely benign (1). 1 of the submissions does not count toward it. Last evaluated 2025-06-12.

Conditions:
CLCN2-related disorder. Also called: CLCN2-related condition; CLCN2-related disorders.

Allele frequency attached by ClinVar (database versions not stated): ExAC 0.00010; ESP Exome Variant Server 0.00023; gnomAD 0.00031; 1000 Genomes Project 30x 0.00078; 1000 Genomes Project 0.00080.
gnomAD v4.1: 79 of 1,613,650 alleles (0.0049%); highest among the groups gnomAD compares: African/African-American, 0.085%; no homozygotes.

Submissions (2):

Labcorp Genetics (formerly Invitae), Labcorp
Classification: Likely benign. Last evaluated: 2025-06-12. Review status: criteria provided, single submitter. Criteria: Invitae Variant Classification Sherloc (09022015). Collection method: clinical testing. Allele origin: germline.

PreventionGenetics, part of Exact Sciences
Classification: Likely benign for CLCN2-related condition. Last evaluated: 2019-11-14. Review status: no assertion criteria provided. Collection method: clinical testing. Allele origin: germline. Not counted in ClinVar's aggregate classification.
Comment: This variant is classified as likely benign based on ACMG/AMP sequence variant interpretation guidelines (Richards et al. 2015 PMID: 25741868, with internal and published modifications).

NM_004366.6(CLCN2):c.2400G>T (p.Arg800=)

Gene: CLCN2 (chloride voltage-gated channel 2; minus strand). Cytogenetic location: 3q27.1.
Variant type: single nucleotide variant.
Coding change: c.2400G>T on transcript NM_004366.6 (MANE Select); coding-DNA position 2400, G replaced by T.
Protein change: p.Arg800=; no amino-acid change (arginine 800 retained).
Molecular consequence: synonymous variant.
Genome position (GRCh38, 1-based): chr3:184,352,028, C>A on the plus strand (G>T on the coding strand, the complement: CLCN2 is on the minus strand). VCF-style: chr3-184352028-C-A. GRCh37 (hg19) VCF-style: chr3-184069816-C-A.
Other names: c.2400G>T (NM_004366.5); c.2349G>T, p.Arg783= (NM_001171087.3); c.2268G>T, p.Arg756= (NM_001171088.3); c.2400G>T, p.Arg800= (NM_001171089.3).
Identifiers: ClinVar variation 2037980 (VCV002037980.6), dbSNP rs145544948, ClinGen allele CA2733708.
Genomic context (GRCh38, chr3:184,352,028, plus strand): 5'-GTCCTGAGAGCCTAGACCAGCCCTGGGCCAGGCTGCTGGCCCTACCTTGTGCAAAGAGGT[C>A]CGCTCCACCAGCTGGAAGGGAGCAGGATCAATTTTGCAGTCACTGAAGTTGACAGGTTCA-3'
Protein context (NP_004357.3, residues 790-810): IDPAPFQLVE[Arg800=]TSLHKTHTIF